The following is an entry in ClinVar:

ClinVar aggregate classification (germline): Conflicting classifications of pathogenicity. Review status: criteria provided, conflicting classifications (1 of 4 stars). 2 submissions from 2 submitters: Uncertain significance (1); Benign (1). Last evaluated 2023-11-28.

Conditions:
Limb-girdle muscular dystrophy (LGMD). Also called: Muscular Dystrophies, Limb-Girdle. Identifiers: Orphanet 263, MedGen C0686353, MeSH D049288, MONDO:0016971, HP:0006785.

Allele frequency attached by ClinVar (database versions not stated): TOPMed 0.00001.

Submissions (2):

Labcorp Genetics (formerly Invitae), Labcorp
Classification: Uncertain significance. Last evaluated: 2023-11-28. Review status: criteria provided, single submitter. Criteria: Invitae Variant Classification Sherloc (09022015). Collection method: clinical testing. Allele origin: germline.
Comment: This sequence change replaces glycine, which is neutral and non-polar, with serine, which is neutral and polar, at codon 274 of the MYO18B protein (p.Gly274Ser). The frequency data for this variant in the population databases is considered unreliable, as metrics indicate poor data quality at this position in the gnomAD database. This variant has not been reported in the literature in individuals affected with MYO18B-related conditions. ClinVar contains an entry for this variant (Variation ID: 2181599). Algorithms developed to predict the effect of missense changes on protein structure and function output the following: SIFT: "Not Available"; PolyPhen-2: "Benign"; Align-GVGD: "Not Available". The serine amino acid residue is found in multiple mammalian species, which suggests that this missense change does not adversely affect protein function. In summary, the available evidence is currently insufficient to determine the role of this variant in disease. Therefore, it has been classified as a Variant of Uncertain Significance.

Cambridge Genomics Laboratory, East Genomic Laboratory Hub, NHS Genomic Medicine Service
Classification: Benign for Limb-girdle muscular dystrophy. Last evaluated: 2019-04-17. Review status: criteria provided, single submitter. Criteria: ACGS Best Practice Guidelines for Variant Classification in Rare Disease 2020. Collection method: clinical testing. Allele origin: germline. Affected: yes. Observed: 1 variant allele.

NM_032608.7(MYO18B):c.820G>A (p.Gly274Ser)

Gene: MYO18B (myosin XVIIIB; plus strand). Cytogenetic location: 22q12.1.
Variant type: single nucleotide variant.
Coding change: c.820G>A on transcript NM_032608.7 (MANE Select); coding-DNA position 820, G replaced by A.
Protein change: p.Gly274Ser; replaces glycine 274 with serine.
Molecular consequence: missense variant.
Genome position (GRCh38, 1-based): chr22:25,768,736, G>A. VCF-style: chr22-25768736-G-A. GRCh37 (hg19) VCF-style: chr22-26164703-G-A.
Other names: c.820G>A, p.Gly274Ser (NM_001318245.2); short protein forms G274S.
Identifiers: ClinVar variation 2181599 (VCV002181599.3), dbSNP rs760716300, ClinGen allele CA10159696.